The following is an entry in ClinVar:

NM_005896.4(IDH1):c.1136G>T (p.Cys379Phe)

Gene: IDH1 (isocitrate dehydrogenase (NADP(+)) 1; minus strand). Cytogenetic location: 2q34.
Variant type: single nucleotide variant.
Coding change: c.1136G>T on transcript NM_005896.4 (MANE Select); coding-DNA position 1136, G replaced by T.
Protein change: p.Cys379Phe; replaces cysteine 379 with phenylalanine.
Molecular consequence: missense variant.
Genome position (GRCh38, 1-based): chr2:208,239,089, C>A on the plus strand (G>T on the coding strand, the complement: IDH1 is on the minus strand). VCF-style: chr2-208239089-C-A. GRCh37 (hg19) VCF-style: chr2-209103813-C-A.
Other names: c.1136G>T, p.Cys379Phe (NM_001282386.1, NM_001282387.1); short protein forms C379F.
Identifiers: ClinVar variation 3225123 (VCV003225123.1), dbSNP rs2124847144, ClinGen allele CA350094069.

ClinVar aggregate classification (germline): Uncertain significance (1 of 4 stars; one submission).

Submission:

Ambry Genetics
Classification: Uncertain significance. Last evaluated: 2024-03-09. Review status: criteria provided, single submitter. Criteria: Ambry Variant Classification Scheme 2023. Collection method: clinical testing. Allele origin: germline.
Comment: The p.C379F variant (also known as c.1136G>T), located in coding exon 7 of the IDH1 gene, results from a G to T substitution at nucleotide position 1136. The cysteine at codon 379 is replaced by phenylalanine, an amino acid with highly dissimilar properties. This amino acid position is conserved. In addition, this alteration is predicted to be deleterious by in silico analysis. Based on the available evidence, the clinical significance of this alteration remains unclear.